The following is an entry in ClinVar:

NM_004186.5(SEMA3F):c.146A>G (p.Asn49Ser)

Gene: SEMA3F (semaphorin 3F; plus strand). Cytogenetic location: 3p21.31.
Variant type: single nucleotide variant.
Coding change: c.146A>G on transcript NM_004186.5 (MANE Select); coding-DNA position 146, A replaced by G.
Protein change: p.Asn49Ser; replaces asparagine 49 with serine.
Molecular consequence: missense variant. On other transcripts: 5 prime UTR variant (1).
Genome position (GRCh38, 1-based): chr3:50,173,826, A>G. VCF-style: chr3-50173826-A-G. GRCh37 (hg19) VCF-style: chr3-50211259-A-G.
Other names: c.146A>G (NM_004186.4); c.-59A>G (NM_001318798.2); c.146A>G, p.Asn49Ser (NM_001318800.2); short protein forms N49S.
Identifiers: ClinVar variation 4162126 (VCV004162126.2).
Genomic context (GRCh38, chr3:50,173,826, plus strand): 5'-AATTGGTGCCCTGCCCTCCACCCACAGAGCTGAAGGCCACAGGCACCGCCCACTTCTTCA[A>G]CTTCCTGCTCAACACAACCGACTACCGAATCTTGCTCAAGGACGAGGACCACGACCGCAT-3'
Protein context (NP_004177.3, residues 39-59): LKATGTAHFF[Asn49Ser]FLLNTTDYRI

ClinVar aggregate classification (germline): Uncertain significance. Review status: criteria provided, multiple submitters, no conflicts (2 of 4 stars). 2 submissions from 2 submitters: Uncertain significance (2). Last evaluated 2025-09-10.

Conditions:
SEMA3F-related disorder. Also called: SEMA3F-related condition.

gnomAD v4.1: 19 of 1,614,054 alleles (0.0012%); highest among the groups gnomAD compares: Non-Finnish European, 0.0014%; no homozygotes.

Submissions (2):

Ambry Genetics
Classification: Uncertain significance. Last evaluated: 2025-09-10. Review status: criteria provided, single submitter. Criteria: Ambry Variant Classification Scheme 2023. Collection method: clinical testing. Allele origin: germline.

PreventionGenetics, part of Exact Sciences
Classification: Uncertain significance for SEMA3F-related condition. Last evaluated: 2025-07-22. Review status: criteria provided, single submitter. Criteria: ACMG Guidelines, 2015. Collection method: clinical testing. Allele origin: germline.
Comment: The SEMA3F c.146A>G variant is predicted to result in the amino acid substitution p.Asn49Ser. To our knowledge, this variant has not been reported in the literature. This variant is reported in 0.00088% of alleles in individuals of European (Non-Finnish) descent in gnomAD. At this time, the clinical significance of this variant is uncertain due to the absence of conclusive functional and genetic evidence.